The following is an entry in ClinVar:

NM_001267550.2(TTN):c.102645T>C (p.Tyr34215=)

Genes: TTN (titin; minus strand), TTN-AS1 (TTN antisense RNA 1; plus strand). Cytogenetic location: 2q31.2.
Variant type: single nucleotide variant.
Coding change: c.102645T>C on transcript NM_001267550.2 (MANE Select); coding-DNA position 102645, T replaced by C.
Protein change: p.Tyr34215=; no amino-acid change (tyrosine 34215 retained).
Molecular consequence: synonymous variant.
Genome position (GRCh38, 1-based): chr2:178,533,970, A>G on the plus strand (T>C on the coding strand, the complement: TTN is on the minus strand). VCF-style: chr2-178533970-A-G. GRCh37 (hg19) VCF-style: chr2-179398697-A-G.
Other names: c.97722T>C, p.Tyr32574= (NM_001256850.1); c.75450T>C, p.Tyr25150= (NM_003319.4); c.94941T>C, p.Tyr31647= (NM_133378.4); c.75825T>C, p.Tyr25275= (NM_133432.3); c.76026T>C, p.Tyr25342= (NM_133437.4).
Identifiers: ClinVar variation 754709 (VCV000754709.14), dbSNP rs763412391, ClinGen allele CA1985723.

ClinVar aggregate classification (germline): Likely benign. Review status: criteria provided, multiple submitters, no conflicts (2 of 4 stars). 3 submissions from 3 submitters: Likely benign (3). Last evaluated 2025-12-09.

Conditions:
TTN-related disorder. Also called: TTN-related disorders; TTN-related condition; TTN-related disease.
Dilated cardiomyopathy 1G (CMD1G). Identifiers: Orphanet 154, MedGen C1858763, MONDO:0011400, OMIM 604145.
Autosomal recessive limb-girdle muscular dystrophy type 2J (LGMDR10). Also called: Limb-girdle muscular dystrophy, type 2J; MUSCULAR DYSTROPHY, LIMB-GIRDLE, AUTOSOMAL RECESSIVE 10. Identifiers: Orphanet 140922, MedGen C1837342, MONDO:0012127, OMIM 608807.
Cardiovascular phenotype. Identifiers: MedGen CN230736.

Allele frequency attached by ClinVar (database versions not stated): ExAC 0.00001; gnomAD exomes 0.00001 and 0.00002; gnomAD 0.00003; TOPMed 0.00005.
gnomAD v4.1: 14 of 1,613,810 alleles (0.00087%); highest among the groups gnomAD compares: Admixed American, 0.01%; no homozygotes.

Submissions (3):

Labcorp Genetics (formerly Invitae), Labcorp
Classification: Likely benign for Dilated cardiomyopathy 1G; Autosomal recessive limb-girdle muscular dystrophy type 2J. Last evaluated: 2025-12-09. Review status: criteria provided, single submitter. Criteria: Invitae Variant Classification Sherloc (09022015). Collection method: clinical testing. Allele origin: germline.

PreventionGenetics, part of Exact Sciences
Classification: Likely benign for TTN-related condition. Last evaluated: 2025-08-13. Review status: criteria provided, single submitter. Criteria: ACMG Guidelines, 2015. Collection method: clinical testing. Allele origin: germline.
Comment: This variant is classified as likely benign based on ACMG/AMP sequence variant interpretation guidelines (Richards et al. 2015 PMID: 25741868, with internal and published modifications).

Ambry Genetics
Classification: Likely benign for Cardiovascular phenotype. Last evaluated: 2020-03-14. Review status: criteria provided, single submitter. Criteria: Ambry Variant Classification Scheme 2023. Collection method: clinical testing. Allele origin: germline.